The following is an entry in ClinVar:

ClinVar aggregate classification (germline): Benign (1 of 4 stars; one submission).

Allele frequency attached by ClinVar (database versions not stated): 1000 Genomes Project 0.00319; 1000 Genomes Project 30x 0.00328; TOPMed 0.00382; gnomAD 0.00408 and 0.00414.
gnomAD v4.1: 612 of 150,428 alleles (0.41%); highest among the groups gnomAD compares: Non-Finnish European, 0.65%; 1 homozygote.

Submission:

CeGaT Center for Human Genetics Tuebingen
Classification: Benign. Last evaluated: 2022-09-01. Review status: criteria provided, single submitter. Criteria: CeGaT Center For Human Genetics Tuebingen Variant Classification Criteria Version 2. Collection method: clinical testing. Allele origin: germline. Affected: yes. Observed: 8 variant alleles.
Comment: BRAF: BS1, BS2

NM_004333.6(BRAF):c.1178-1573G>A

Gene: BRAF (B-Raf proto-oncogene, serine/threonine kinase; minus strand). Cytogenetic location: 7q34.
Variant type: single nucleotide variant.
Coding change: c.1178-1573G>A on transcript NM_004333.6 (MANE Select); 1573 bases into the intron before coding-DNA position 1178, G replaced by A.
Molecular consequence: intron variant.
Genome position (GRCh38, 1-based): chr7:140,784,730, C>T on the plus strand (G>A on the coding strand, the complement: BRAF is on the minus strand). VCF-style: chr7-140784730-C-T. GRCh37 (hg19) VCF-style: chr7-140484530-C-T.
Other names: c.1178-1573G>A (NM_001378474.1, NM_001378468.1, NM_001354609.2); c.1076-1573G>A (NM_001378470.1); c.914-1573G>A (NM_001378475.1); c.1141-1647G>A (NM_001378471.1); c.1297+959G>A (NM_001374258.1, NM_001374244.1); c.1187-1573G>A (NM_001378467.1); c.1022-1573G>A (NM_001378472.1, NM_001378473.1); c.1178-1639G>A (NM_001378469.1).
Identifiers: ClinVar variation 1676083 (VCV001676083.33), dbSNP rs193184404, ClinGen allele CA168092604.